The following is an entry in ClinVar:

NM_199242.3(UNC13D):c.2897G>A (p.Arg966Gln)

Genes: UNC13D (unc-13 homolog D; minus strand), LOC112533672 (Sharpr-MPRA regulatory region 1193; plus strand). Cytogenetic location: 17q25.1.
Variant type: single nucleotide variant.
Coding change: c.2897G>A on transcript NM_199242.3 (MANE Select); coding-DNA position 2897, G replaced by A.
Protein change: p.Arg966Gln; replaces arginine 966 with glutamine.
Molecular consequence: missense variant.
Genome position (GRCh38, 1-based): chr17:75,830,085, C>T on the plus strand (G>A on the coding strand, the complement: UNC13D is on the minus strand). VCF-style: chr17-75830085-C-T. GRCh37 (hg19) VCF-style: chr17-73826166-C-T.
Other names: short protein forms R966Q.
Identifiers: ClinVar variation 1420460 (VCV001420460.3), dbSNP rs761351250, ClinGen allele CA8772348.

ClinVar aggregate classification (germline): Uncertain significance (1 of 4 stars; one submission).

Conditions:
Familial hemophagocytic lymphohistiocytosis 3 (FHL3). Also called: UNC13D-Related Familial Hemophagocytic Lymphohistiocytosis (UNC13D-fHLH). Identifiers: Orphanet 540, MedGen C1837174, MONDO:0012146, OMIM 608898.

Allele frequency attached by ClinVar (database versions not stated): gnomAD 0.00004; TOPMed 0.00005; gnomAD exomes 0.00006 and 0.00014; ExAC 0.00012; 1000 Genomes Project 30x 0.00016.
gnomAD v4.1: 88 of 1,579,478 alleles (0.0056%); highest among the groups gnomAD compares: South Asian, 0.051%; 1 homozygote.

Submission:

Labcorp Genetics (formerly Invitae), Labcorp
Classification: Uncertain significance for Familial hemophagocytic lymphohistiocytosis 3. Last evaluated: 2022-07-03. Review status: criteria provided, single submitter. Criteria: Invitae Variant Classification Sherloc (09022015). Collection method: clinical testing. Allele origin: germline.
Comment: This sequence change replaces arginine, which is basic and polar, with glutamine, which is neutral and polar, at codon 966 of the UNC13D protein (p.Arg966Gln). This variant is present in population databases (rs761351250, gnomAD 0.08%). This variant has not been reported in the literature in individuals affected with UNC13D-related conditions. ClinVar contains an entry for this variant (Variation ID: 1420460). Algorithms developed to predict the effect of missense changes on protein structure and function are either unavailable or do not agree on the potential impact of this missense change (SIFT: "Not Available"; PolyPhen-2: "Probably Damaging"; Align-GVGD: "Not Available"). Algorithms developed to predict the effect of sequence changes on RNA splicing suggest that this variant may create or strengthen a splice site. In summary, the available evidence is currently insufficient to determine the role of this variant in disease. Therefore, it has been classified as a Variant of Uncertain Significance.